The following is an entry in ClinVar:

NM_000059.4(BRCA2):c.5419G>T (p.Asp1807Tyr)

Gene: BRCA2 (BRCA2 DNA repair associated; plus strand). Cytogenetic location: 13q13.1.
Variant type: single nucleotide variant.
Coding change: c.5419G>T on transcript NM_000059.4 (MANE Select); coding-DNA position 5419, G replaced by T.
Protein change: p.Asp1807Tyr; replaces aspartic acid 1807 with tyrosine.
Molecular consequence: missense variant.
Genome position (GRCh38, 1-based): chr13:32,339,774, G>T. VCF-style: chr13-32339774-G-T. GRCh37 (hg19) VCF-style: chr13-32913911-G-T.
Other names: c.5419G>T, p.Asp1807Tyr (NM_001406719.1, NM_001406720.1); short protein forms D1807Y.
Identifiers: ClinVar variation 1747405 (VCV001747405.4), dbSNP rs2137517363, ClinGen allele CA387785410.

ClinVar aggregate classification (germline): Conflicting classifications of pathogenicity. Review status: criteria provided, conflicting classifications (1 of 4 stars). 2 submissions from 2 submitters: Uncertain significance (1); Likely benign (1). Last evaluated 2023-03-23.

Conditions:
Hereditary cancer-predisposing syndrome. Also called: Hereditary Cancer Syndrome; Neoplastic Syndromes, Hereditary; Tumor predisposition; Hereditary neoplastic syndrome. Identifiers: Orphanet 140162, MedGen C0027672, MeSH D009386, MONDO:0015356.

Submissions (2):

University of Washington Department of Laboratory Medicine, University of Washington
Classification: Likely benign for Hereditary cancer-predisposing syndrome. Last evaluated: 2023-03-23. Review status: criteria provided, single submitter. Criteria: Dines et al. (Genet Med. 2020). Collection method: curation. Allele origin: germline.
Comment: Missense variant in a coldspot region where missense variants are very unlikely to be pathogenic (PMID:31911673).

BRCA2 exon 11 coldspot. Reclassification based on statistical prior probability.

Ambry Genetics
Classification: Uncertain significance for Hereditary cancer-predisposing syndrome. Last evaluated: 2021-12-11. Review status: criteria provided, single submitter. Criteria: Ambry Variant Classification Scheme 2023. Collection method: clinical testing. Allele origin: germline.
Comment: The p.D1807Y variant (also known as c.5419G>T), located in coding exon 10 of the BRCA2 gene, results from a G to T substitution at nucleotide position 5419. The aspartic acid at codon 1807 is replaced by tyrosine, an amino acid with highly dissimilar properties. This amino acid position is conserved. In addition, this alteration is predicted to be tolerated by in silico analysis. Since supporting evidence is limited at this time, the clinical significance of this alteration remains unclear.